The following is an entry in ClinVar:

ClinVar aggregate classification (germline): Benign/Likely benign. Review status: criteria provided, multiple submitters, no conflicts (2 of 4 stars). 9 submissions from 9 submitters: Benign (5); Likely benign (3). 1 of the submissions does not count toward it. Last evaluated 2026-09-01.

Conditions:
EGFR-related disorder. Also called: EGFR-related condition.
Lung cancer. Also called: Lung cancer, somatic; Malignant tumor of lung. Identifiers: MedGen C0242379, MONDO:0008903, OMIM 211980.
Hereditary cancer-predisposing syndrome. Also called: Neoplastic Syndromes, Hereditary; Hereditary neoplastic syndrome; Hereditary Cancer Syndrome; Tumor predisposition. Identifiers: Orphanet 140162, MedGen C0027672, MeSH D009386, MONDO:0015356.
EGFR-related lung cancer (EGFR). Identifiers: MedGen CN130014.

Allele frequency attached by ClinVar (database versions not stated): gnomAD 0.00010 and 0.00015; gnomAD exomes 0.00019 and 0.00047; 1000 Genomes Project 0.00020; ExAC 0.00035; 1000 Genomes Project 30x 0.00016; TOPMed 0.00022.
gnomAD v4.1: 299 of 1,614,256 alleles (0.019%); highest among the groups gnomAD compares: East Asian, 0.51%; no homozygotes.

Submissions (9):

CeGaT Center for Human Genetics Tuebingen
Classification: Likely benign. Last evaluated: 2026-09-01. Review status: criteria provided, single submitter. Criteria: CeGaT Center For Human Genetics Tuebingen Variant Classification Criteria Version 2. Collection method: clinical testing. Allele origin: germline. Affected: yes. Observed: 2 variant alleles.
Comment: EGFR: BS1

Labcorp Genetics (formerly Invitae), Labcorp
Classification: Benign for EGFR-related lung cancer. Last evaluated: 2026-02-01. Review status: criteria provided, single submitter. Criteria: Invitae Variant Classification Sherloc (09022015). Collection method: clinical testing. Allele origin: germline.

PreventionGenetics, part of Exact Sciences
Classification: Likely benign for EGFR-related condition. Last evaluated: 2025-10-07. Review status: criteria provided, single submitter. Criteria: ACMG Guidelines, 2015. Collection method: clinical testing. Allele origin: germline.
Comment: This variant is classified as likely benign based on ACMG/AMP sequence variant interpretation guidelines (Richards et al. 2015 PMID: 25741868, with internal and published modifications).

KCCC/NGS Laboratory, Kuwait Cancer Control Center
Classification: Benign for Lung cancer. Last evaluated: 2025-02-01. Review status: criteria provided, single submitter. Criteria: ACMG Guidelines, 2015. Collection method: clinical testing. Allele origin: germline. Affected: no.

Ambry Genetics
Classification: Benign for Hereditary cancer-predisposing syndrome. Last evaluated: 2024-10-28. Review status: criteria provided, single submitter. Criteria: Ambry Variant Classification Scheme 2023. Collection method: clinical testing. Allele origin: germline.

Myriad Genetics, Inc.
Classification: Benign for Lung cancer. Last evaluated: 2024-10-16. Review status: criteria provided, single submitter. Criteria: Myriad Autosomal Dominant, Autosomal Recessive and X-Linked Classification Criteria (2023). Collection method: clinical testing. Allele origin: unknown.
Comment: This variant is considered benign. This variant is a silent/synonymous amino acid change and it is not expected to impact splicing.

Blueprint Genetics
Classification: Likely benign. Last evaluated: 2023-10-11. Review status: criteria provided, single submitter. Criteria: ACMG Guidelines, 2015. Collection method: clinical testing. Allele origin: germline.

Quest Diagnostics Nichols Institute San Juan Capistrano
Classification: Benign. Last evaluated: 2022-12-28. Review status: criteria provided, single submitter. Criteria: Quest Diagnostics criteria. Collection method: clinical testing. Allele origin: unknown.

Laboratory for Molecular Medicine, Mass General Brigham Personalized Medicine
Classification: Likely benign. Last evaluated: 2008-03-01. Review status: no assertion criteria provided. Collection method: clinical testing. Allele origin: somatic. Observed: 5 variant alleles. Not counted in ClinVar's aggregate classification.

Literature cited by the submitters: PubMed 23908693 (cited by Quest Diagnostics Nichols Institute San Juan Capistrano).

NM_005228.5(EGFR):c.2457G>A (p.Val819=)

Genes: EGFR (epidermal growth factor receptor; plus strand), EGFR-AS1 (EGFR antisense RNA 1; minus strand). Cytogenetic location: 7p11.2.
Variant type: single nucleotide variant.
Coding change: c.2457G>A on transcript NM_005228.5 (MANE Select); coding-DNA position 2457, G replaced by A.
Protein change: p.Val819=; no amino-acid change (valine 819 retained).
Molecular consequence: synonymous variant. On other transcripts: non-coding transcript variant (1).
Genome position (GRCh38, 1-based): chr7:55,181,466, G>A. VCF-style: chr7-55181466-G-A. GRCh37 (hg19) VCF-style: chr7-55249159-G-A.
Other names: c.2322G>A, p.Val774= (NM_001346897.2, NM_001346899.2); c.2457G>A, p.Val819= (NM_001346898.2); c.2298G>A, p.Val766= (NM_001346900.2); c.1656G>A, p.Val552= (NM_001346941.2); c.2457G>A (NM_005228.4).
Identifiers: ClinVar variation 45274 (VCV000045274.42), dbSNP rs56183713, ClinGen allele CA135905.